The following is an entry in ClinVar:

ClinVar aggregate classification (germline): Uncertain significance (1 of 4 stars; one submission).

Submission:

Labcorp Genetics (formerly Invitae), Labcorp
Classification: Uncertain significance. Last evaluated: 2023-10-08. Review status: criteria provided, single submitter. Criteria: Invitae Variant Classification Sherloc (09022015). Collection method: clinical testing. Allele origin: germline.
Comment: This sequence change falls in intron 15 of the C3 gene. It does not directly change the encoded amino acid sequence of the C3 protein. It affects a nucleotide within the consensus splice site. This variant is not present in population databases (gnomAD no frequency). This variant has not been reported in the literature in individuals affected with C3-related conditions. Variants that disrupt the consensus splice site are a relatively common cause of aberrant splicing (PMID: 17576681, 9536098). Algorithms developed to predict the effect of sequence changes on RNA splicing suggest that this variant is not likely to affect RNA splicing. In summary, the available evidence is currently insufficient to determine the role of this variant in disease. Therefore, it has been classified as a Variant of Uncertain Significance.

Literature cited by the submitters: PubMed 17576681; PubMed 9536098.

NM_000064.4(C3):c.1975+5G>A

Gene: C3 (complement C3; minus strand). Cytogenetic location: 19p13.3.
Variant type: single nucleotide variant.
Coding change: c.1975+5G>A on transcript NM_000064.4 (MANE Select); 5 bases into the intron after coding-DNA position 1975, G replaced by A.
Molecular consequence: intron variant.
Genome position (GRCh38, 1-based): chr19:6,707,795, C>T on the plus strand (G>A on the coding strand, the complement: C3 is on the minus strand). VCF-style: chr19-6707795-C-T. GRCh37 (hg19) VCF-style: chr19-6707806-C-T.
Identifiers: ClinVar variation 2766944 (VCV002766944.3), dbSNP rs2512258835, ClinGen allele CA2697556134.